The following is an entry in ClinVar:

ClinVar aggregate classification (germline): Uncertain significance (1 of 4 stars; one submission).

Conditions:
Arrhythmogenic cardiomyopathy with wooly hair and keratoderma. Also called: Dilated cardiomyopathy with woolly hair and keratoderma; PALMOPLANTAR KERATODERMA WITH LEFT VENTRICULAR CARDIOMYOPATHY AND WOOLLY HAIR; Carvajal syndrome; Arrhythmogenic cardiomyopathy with woolly hair and keratoderma. Identifiers: Orphanet 65282, MedGen C1854063, MONDO:0011581, OMIM 605676.
Arrhythmogenic right ventricular dysplasia 8 (ARVD8). Also called: Arrhythmogenic Right Ventricular Dysplasia/Cardiomyopathy 8; ARRHYTHMOGENIC RIGHT VENTRICULAR DYSPLASIA, FAMILIAL, 8; ARRHYTHMOGENIC RIGHT VENTRICULAR CARDIOMYOPATHY 8. Identifiers: MedGen C1843896, MONDO:0011831, OMIM 607450.

Submission:

Labcorp Genetics (formerly Invitae), Labcorp
Classification: Uncertain significance for Arrhythmogenic cardiomyopathy with wooly hair and keratoderma; Arrhythmogenic right ventricular dysplasia 8. Last evaluated: 2023-12-11. Review status: criteria provided, single submitter. Criteria: Invitae Variant Classification Sherloc (09022015). Collection method: clinical testing. Allele origin: germline.
Comment: This variant, c.123_125dup, results in the insertion of 1 amino acid(s) of the DSP protein (p.Tyr42dup), but otherwise preserves the integrity of the reading frame. This variant is not present in population databases (gnomAD no frequency). This variant has not been reported in the literature in individuals affected with DSP-related conditions. In summary, the available evidence is currently insufficient to determine the role of this variant in disease. Therefore, it has been classified as a Variant of Uncertain Significance.

NM_004415.4(DSP):c.123_125dup (p.Tyr42_Ser43insTyr)

Genes: DSP-AS1 (DSP antisense RNA 1; minus strand), DSP (desmoplakin; plus strand). Cytogenetic location: 6p24.3.
Variant type: Duplication.
Coding change: c.123_125dup on transcript NM_004415.4 (MANE Select); coding-DNA positions 123 to 125, 3 bases duplicated (CTA; older notation c.123_125dupCTA).
Protein change: p.Tyr42_Ser43insTyr.
Molecular consequence: inframe insertion.
Genome position (GRCh38, 1-based): chr6:7,542,038-7,542,040, CTA duplicated; duplicating any 3 consecutive bases within chr6:7,542,036-7,542,040 gives the same sequence; the c. name uses the placement nearest the transcript's 3' end. VCF-style (leftmost placement, unchanged base first): chr6-7542035-G-GTAC. GRCh37 (hg19) VCF-style: chr6-7542268-G-GTAC.
Other names: c.123_125dup, p.Tyr42_Ser43insTyr (NM_001008844.3, NM_001319034.2, NM_001406591.1).
Identifiers: ClinVar variation 2946646 (VCV002946646.3), dbSNP rs773809525, ClinGen allele CA027223.